The following is an entry in ClinVar:

ClinVar aggregate classification (germline): Uncertain significance. Review status: criteria provided, multiple submitters, no conflicts (2 of 4 stars). 3 submissions from 3 submitters: Uncertain significance (2). 1 of the submissions does not count toward it. Last evaluated 2024-12-16.

Conditions:
Tay-Sachs disease (TSD). Also called: HEXA Disorders; HEXA DEFICIENCY; GM2 gangliosidosis, type 1; Hexosaminidase alpha-subunit deficiency (variant B); Sphingolipidosis, Tay-Sachs; Hexosaminidase A Deficiency. Identifiers: Orphanet 845, MedGen C0039373, MONDO:0010100, OMIM 272800.

Allele frequency attached by ClinVar (database versions not stated): gnomAD 0.00008 and 0.00009; gnomAD exomes 0.00006 and 0.00003; TOPMed 0.00007; ExAC 0.00004.
gnomAD v4.1: 69 of 1,613,810 alleles (0.0043%); highest among the groups gnomAD compares: Non-Finnish European, 0.0012%; no homozygotes.

Submissions (3):

Labcorp Genetics (formerly Invitae), Labcorp
Classification: Uncertain significance for Tay-Sachs disease. Last evaluated: 2024-12-16. Review status: criteria provided, single submitter. Criteria: Invitae Variant Classification Sherloc (09022015). Collection method: clinical testing. Allele origin: germline.
Comment: This sequence change replaces asparagine, which is neutral and polar, with serine, which is neutral and polar, at codon 466 of the HEXA protein (p.Asn466Ser). This variant is present in population databases (rs200936836, gnomAD 0.1%). This variant has not been reported in the literature in individuals affected with HEXA-related conditions. ClinVar contains an entry for this variant (Variation ID: 93190). An algorithm developed to predict the effect of missense changes on protein structure and function outputs the following: PolyPhen-2: "Benign". The serine amino acid residue is found in multiple mammalian species, which suggests that this missense change does not adversely affect protein function. In summary, the available evidence is currently insufficient to determine the role of this variant in disease. Therefore, it has been classified as a Variant of Uncertain Significance.

Eurofins Ntd Llc (ga)
Classification: Uncertain significance. Last evaluated: 2013-09-18. Review status: criteria provided, single submitter. Criteria: EGL Classification Definitions 2015. Collection method: clinical testing. Allele origin: germline. Observed: 2 variant alleles, 2 heterozygotes.

Counsyl
Classification: Likely benign for Tay-Sachs disease. Last evaluated: 2017-08-31. Review status: no assertion criteria provided. Collection method: clinical testing. Allele origin: unknown. Inheritance: Autosomal recessive inheritance. Not counted in ClinVar's aggregate classification.

NM_000520.6(HEXA):c.1397A>G (p.Asn466Ser)

Gene: HEXA (hexosaminidase subunit alpha; minus strand). Cytogenetic location: 15q23.
Variant type: single nucleotide variant.
Coding change: c.1397A>G on transcript NM_000520.6 (MANE Select); coding-DNA position 1397, A replaced by G.
Protein change: p.Asn466Ser; replaces asparagine 466 with serine.
Molecular consequence: missense variant. On other transcripts: non-coding transcript variant (1).
Genome position (GRCh38, 1-based): chr15:72,346,259, T>C on the plus strand (A>G on the coding strand, the complement: HEXA is on the minus strand). VCF-style: chr15-72346259-T-C. GRCh37 (hg19) VCF-style: chr15-72638600-T-C.
Other names: c.1430A>G, p.Asn477Ser (NM_001318825.2); short protein forms N466S, N477S.
Identifiers: ClinVar variation 93190 (VCV000093190.15), dbSNP rs200936836, ClinGen allele CA221065.